The following is an entry in ClinVar:

ClinVar aggregate classification (germline): Likely pathogenic (1 of 4 stars; one submission).

Conditions:
Deficiency of 2-methylbutyryl-CoA dehydrogenase (ACADSB). Also called: 2-methylbutyryl-CoA dehydrogenase deficiency; SBCAD deficiency; 2-methylbutyric aciduria; Short branched-chain acyl-CoA dehydrogenase deficiency; 2-methylbutyrylglycinuria. Identifiers: Orphanet 79157, MedGen C1864912, MONDO:0012392, OMIM 610006, HP:0020147.

Submission:

Laboratory for Molecular Medicine, Mass General Brigham Personalized Medicine
Classification: Likely pathogenic for Deficiency of 2-methylbutyryl-CoA dehydrogenase. Last evaluated: 2024-01-08. Review status: criteria provided, single submitter. Criteria: ACMG Guidelines, 2015. Collection method: clinical testing. Allele origin: germline. Inheritance: Autosomal recessive inheritance.
Comment: The p.Leu23PhefsX25 variant in ACADSB has not been previously reported in individuals with short/branched chain acyl-CoA dehydrogenase deficiency (SBCAD, also known as 2-methylbutyryl-CoA dehydrogenase deficiency) but has been identified in 0.002% (1/41438) of African chromosomes by gnomAD (v.3.1.2). This variant is predicted to cause a frameshift, which alters the protein’s amino acid sequence beginning at position 23 and leads to a premature termination codon 25 amino acids downstream. This alteration is then predicted to lead to a truncated or absent protein. Biallelic loss of function of the ACADSB gene is an established disease mechanism in autosomal recessive SBCAD. In summary, although additional studies are required to fully establish its clinical significance, this variant meets criteria to be classified as likely pathogenic for autosomal recessive short/branched chain acyl-CoA dehydrogenase deficiency (SBCAD). ACMG/AMP Criteria applied: PVS1, PM2_Supporting.

NM_001609.4(ACADSB):c.68dup (p.Leu23fs)

Gene: ACADSB (acyl-CoA dehydrogenase short/branched chain; plus strand). Cytogenetic location: 10q26.13.
Variant type: Duplication.
Coding change: c.68dup on transcript NM_001609.4 (MANE Select); coding-DNA position 68, one base duplicated (T; older notation c.68dupT).
Protein change: p.Leu23fs; shifts the reading frame from leucine 23.
Molecular consequence: frameshift variant. On other transcripts: 5 prime UTR variant (1).
Genome position (GRCh38, 1-based): chr10:123,034,381, T duplicated; the last of 3 consecutive T bases (chr10:123,034,379-123,034,381); duplicating any one gives the same sequence. VCF-style (leftmost placement, unchanged base first): chr10-123034378-G-GT. GRCh37 (hg19) VCF-style: chr10-124793894-G-GT.
Other names: c.-138dup (NM_001330174.3); short protein forms L23fs.
Identifiers: ClinVar variation 3075976 (VCV003075976.1), dbSNP rs1850369146, ClinGen allele CA933372150.